The following is an entry in ClinVar:

NM_005562.3(LAMC2):c.987C>G (p.Pro329=)

Gene: LAMC2 (laminin subunit gamma 2; plus strand). Cytogenetic location: 1q25.3.
Variant type: single nucleotide variant.
Coding change: c.987C>G on transcript NM_005562.3 (MANE Select); coding-DNA position 987, C replaced by G.
Protein change: p.Pro329=; no amino-acid change (proline 329 retained).
Molecular consequence: synonymous variant.
Genome position (GRCh38, 1-based): chr1:183,225,641, C>G. VCF-style: chr1-183225641-C-G. GRCh37 (hg19) VCF-style: chr1-183194776-C-G.
Other names: c.987C>G, p.Pro329= (NM_018891.3); c.987C>G (NM_005562.2).
Identifiers: ClinVar variation 1161812 (VCV001161812.10), dbSNP rs777191714, ClinGen allele CA1282497.

ClinVar aggregate classification (germline): Likely benign. Review status: criteria provided, multiple submitters, no conflicts (2 of 4 stars). 2 submissions from 2 submitters: Likely benign (2). Last evaluated 2025-11-05.

Conditions:
LAMC2-related disorder. Also called: LAMC2-related condition.

Allele frequency attached by ClinVar (database versions not stated): ExAC 0.00003; gnomAD 0.00003 and 0.00005; gnomAD exomes 0.00003; TOPMed 0.00004.
gnomAD v4.1: 118 of 1,614,024 alleles (0.0073%); highest among the groups gnomAD compares: Non-Finnish European, 0.0097%; no homozygotes.

Submissions (2):

PreventionGenetics, part of Exact Sciences
Classification: Likely benign for LAMC2-related condition. Last evaluated: 2025-11-05. Review status: criteria provided, single submitter. Criteria: ACMG Guidelines, 2015. Collection method: clinical testing. Allele origin: germline.
Comment: This variant is classified as likely benign based on ACMG/AMP sequence variant interpretation guidelines (Richards et al. 2015 PMID: 25741868, with internal and published modifications).

Labcorp Genetics (formerly Invitae), Labcorp
Classification: Likely benign. Last evaluated: 2024-02-01. Review status: criteria provided, single submitter. Criteria: Invitae Variant Classification Sherloc (09022015). Collection method: clinical testing. Allele origin: germline.